The following is an entry in ClinVar:

NM_201384.3(PLEC):c.2996G>A (p.Cys999Tyr)

Gene: PLEC (plectin; minus strand). Cytogenetic location: 8q24.3.
Variant type: single nucleotide variant.
Coding change: c.2996G>A on transcript NM_201384.3 (MANE Select); coding-DNA position 2996, G replaced by A.
Protein change: p.Cys999Tyr; replaces cysteine 999 with tyrosine.
Molecular consequence: missense variant.
Genome position (GRCh38, 1-based): chr8:143,929,499, C>T on the plus strand (G>A on the coding strand, the complement: PLEC is on the minus strand). VCF-style: chr8-143929499-C-T. GRCh37 (hg19) VCF-style: chr8-145003667-C-T.
Other names: c.3077G>A, p.Cys1026Tyr (NM_000445.5); c.2954G>A, p.Cys985Tyr (NM_201378.4); c.2930G>A, p.Cys977Tyr (NM_201379.3); c.3407G>A, p.Cys1136Tyr (NM_201380.4); c.2900G>A, p.Cys967Tyr (NM_201381.3); c.2996G>A, p.Cys999Tyr (NM_201382.4); c.3008G>A, p.Cys1003Tyr (NM_201383.3); c.3077G>A (NM_000445.3); short protein forms C1026Y, C1136Y, C967Y, C977Y, C985Y, C1003Y, C999Y.
Identifiers: ClinVar variation 471567 (VCV000471567.12), dbSNP rs200086907, ClinGen allele CA4927267.
Genomic context (GRCh38, chr8:143,929,499, plus strand): 5'-CACTCCCGTGCCGGCTCTTTGTCCAGCGGCAGCCGCAGGCGGTGCACGGTGCGCGTCTCA[C>T]AGGCCTCCAGCTGCAGCCGGATGTCTTTGAGCTCGGAGATGCAGCGCTGGCAGCGAGACT-3'
Protein context (NP_958786.1, residues 989-1009): LKDIRLQLEA[Cys999Tyr]ETRTVHRLRL

ClinVar aggregate classification (germline): Uncertain significance. Review status: criteria provided, multiple submitters, no conflicts (2 of 4 stars). 4 submissions from 4 submitters: Uncertain significance (4). Last evaluated 2025-10-02.

Conditions:
PLEC-related disorder. Also called: PLEC-related disorders; PLEC-related condition.
Autosomal recessive limb-girdle muscular dystrophy type 2Q (LGMDR17). Also called: MUSCULAR DYSTROPHY, LIMB-GIRDLE, AUTOSOMAL RECESSIVE 17. Identifiers: Orphanet 254361, MedGen C3150989, MONDO:0013390, OMIM 613723.
Epidermolysis bullosa simplex with nail dystrophy (EBS5D). Identifiers: MedGen C4225309, MONDO:0014661, OMIM 616487.
Epidermolysis bullosa simplex 5C, with pyloric atresia (EBS5C). Also called: PLEC-Related Epidermolysis Bullosa with Pyloric Atresia; Epidermolysis bullosa simplex with pyloric atresia; PLEC1-Related Epidermolysis Bullosa with Pyloric Atresia. Identifiers: Orphanet 158684, MedGen C2677349, MONDO:0012807, OMIM 612138.
Epidermolysis bullosa simplex, Ogna type (EBS5A). Also called: Pidermolysis bullosa simplex 5A, Ogna type; EPIDERMOLYSIS BULLOSA SIMPLEX 5A, OGNA TYPE. Identifiers: Orphanet 79401, MedGen C0432317, MONDO:0007555, OMIM 131950.
Epidermolysis bullosa simplex 5B, with muscular dystrophy (EBS5B). Also called: EPIDERMOLYSIS BULLOSA SIMPLEX AND LIMB-GIRDLE MUSCULAR DYSTROPHY; Epidermolysis bullosa simplex with muscular dystrophy. Identifiers: Orphanet 257, MedGen C2931072, MONDO:0009181, OMIM 226670.
Inborn genetic diseases. Identifiers: MedGen C0950123, MeSH D030342.

Allele frequency attached by ClinVar (database versions not stated): TOPMed 0.00003; gnomAD 0.00004 and 0.00005; gnomAD exomes 0.00004 and 0.00005; ExAC 0.00005; 1000 Genomes Project 0.00020; 1000 Genomes Project 30x 0.00031.
gnomAD v4.1: 81 of 1,611,696 alleles (0.005%); highest among the groups gnomAD compares: Admixed American, 0.015%; no homozygotes.

Submissions (4):

Ambry Genetics
Classification: Uncertain significance for Inborn genetic diseases. Last evaluated: 2025-10-02. Review status: criteria provided, single submitter. Criteria: Ambry Variant Classification Scheme 2023. Collection method: clinical testing. Allele origin: germline.

PreventionGenetics, part of Exact Sciences
Classification: Uncertain significance for PLEC-related condition. Last evaluated: 2025-03-11. Review status: criteria provided, single submitter. Criteria: ACMG Guidelines, 2015. Collection method: clinical testing. Allele origin: germline.
Comment: The PLEC c.3077G>A variant is predicted to result in the amino acid substitution p.Cys1026Tyr. To our knowledge, this variant has not been reported in the literature. This variant is reported in 0.0074% of alleles in individuals of European (Non-Finnish) descent in gnomAD. At this time, the clinical significance of this variant is uncertain due to the absence of conclusive functional and genetic evidence.

Labcorp Genetics (formerly Invitae), Labcorp
Classification: Uncertain significance for Autosomal recessive limb-girdle muscular dystrophy type 2Q; Epidermolysis bullosa simplex, Ogna type; Epidermolysis bullosa simplex with nail dystrophy; Epidermolysis bullosa simplex 5C, with pyloric atresia; Epidermolysis bullosa simplex 5B, with muscular dystrophy. Last evaluated: 2024-10-18. Review status: criteria provided, single submitter. Criteria: Invitae Variant Classification Sherloc (09022015). Collection method: clinical testing. Allele origin: germline.
Comment: This sequence change replaces cysteine, which is neutral and slightly polar, with tyrosine, which is neutral and polar, at codon 1026 of the PLEC protein (p.Cys1026Tyr). This variant is present in population databases (rs200086907, gnomAD 0.008%). This variant has not been reported in the literature in individuals affected with PLEC-related conditions. ClinVar contains an entry for this variant (Variation ID: 471567). Invitae Evidence Modeling of protein sequence and biophysical properties (such as structural, functional, and spatial information, amino acid conservation, physicochemical variation, residue mobility, and thermodynamic stability) indicates that this missense variant is not expected to disrupt PLEC protein function with a negative predictive value of 80%. In summary, the available evidence is currently insufficient to determine the role of this variant in disease. Therefore, it has been classified as a Variant of Uncertain Significance.

Revvity Omics, Revvity
Classification: Uncertain significance. Last evaluated: 2020-11-20. Review status: criteria provided, single submitter. Criteria: ACMG Guidelines, 2015. Collection method: clinical testing. Allele origin: germline.